The following is an entry in ClinVar:

ClinVar aggregate classification (germline): Uncertain significance. Review status: criteria provided, multiple submitters, no conflicts (2 of 4 stars). 3 submissions from 3 submitters: Uncertain significance (3). Last evaluated 2025-07-02.

Conditions:
Hypotrichosis 1. Also called: HYPOTRICHOSIS SIMPLEX, GENERALIZED, HEREDITARY; Hereditary hypotrichosis simplex. Identifiers: Orphanet 55654, MedGen C4551976, MONDO:0011549, OMIM 605389.

Allele frequency attached by ClinVar (database versions not stated): ExAC 0.00005.

Submissions (3):

Ambry Genetics
Classification: Uncertain significance. Last evaluated: 2025-07-02. Review status: criteria provided, single submitter. Criteria: Ambry Variant Classification Scheme 2023. Collection method: clinical testing. Allele origin: germline.

Labcorp Genetics (formerly Invitae), Labcorp
Classification: Uncertain significance. Last evaluated: 2022-07-17. Review status: criteria provided, single submitter. Criteria: Invitae Variant Classification Sherloc (09022015). Collection method: clinical testing. Allele origin: germline.
Comment: This sequence change replaces leucine, which is neutral and non-polar, with valine, which is neutral and non-polar, at codon 8 of the APCDD1 protein (p.Leu8Val). The frequency data for this variant in the population databases is considered unreliable, as metrics indicate poor data quality at this position in the gnomAD database. This variant has not been reported in the literature in individuals affected with APCDD1-related conditions. Algorithms developed to predict the effect of missense changes on protein structure and function are either unavailable or do not agree on the potential impact of this missense change (SIFT: "Tolerated"; PolyPhen-2: "Possibly Damaging"; Align-GVGD: "Class C0"). In summary, the available evidence is currently insufficient to determine the role of this variant in disease. Therefore, it has been classified as a Variant of Uncertain Significance.

Department of Pathology and Laboratory Medicine, Sinai Health System
Classification: Uncertain significance for hypotrichosis 1. Last evaluated: 2021-12-15. Review status: criteria provided, single submitter. Criteria: ACMG Guidelines, 2015. Collection method: research. Allele origin: germline.

NM_153000.5(APCDD1):c.22C>G (p.Leu8Val)

Gene: APCDD1 (APC down-regulated 1; plus strand). Cytogenetic location: 18p11.22.
Variant type: single nucleotide variant.
Coding change: c.22C>G on transcript NM_153000.5 (MANE Select); coding-DNA position 22, C replaced by G.
Protein change: p.Leu8Val; replaces leucine 8 with valine.
Molecular consequence: missense variant.
Genome position (GRCh38, 1-based): chr18:10,455,003, C>G. VCF-style: chr18-10455003-C-G. GRCh37 (hg19) VCF-style: chr18-10455000-C-G.
Other names: c.22C>G (NM_153000.4); short protein forms L8V.
Identifiers: ClinVar variation 2184704 (VCV002184704.6), dbSNP rs752598200, ClinGen allele CA8890910.